The following is an entry in ClinVar:

ClinVar aggregate classification (germline): Uncertain significance (1 of 4 stars; one submission).

Submission:

GeneDx
Classification: Uncertain significance. Last evaluated: 2022-03-17. Review status: criteria provided, single submitter. Criteria: GeneDx Variant Classification Process June 2021. Collection method: clinical testing. Allele origin: germline. Affected: yes.
Comment: Has not been previously published as pathogenic or benign to our knowledge; Not observed at significant frequency in large population cohorts (gnomAD); In silico analysis supports that this missense variant has a deleterious effect on protein structure/function

NM_000379.4(XDH):c.706T>A (p.Trp236Arg)

Gene: XDH (xanthine dehydrogenase; minus strand). Cytogenetic location: 2p23.1.
Variant type: single nucleotide variant.
Coding change: c.706T>A on transcript NM_000379.4 (MANE Select); coding-DNA position 706, T replaced by A.
Protein change: p.Trp236Arg; replaces tryptophan 236 with arginine.
Molecular consequence: missense variant.
Genome position (GRCh38, 1-based): chr2:31,386,501, A>T on the plus strand (T>A on the coding strand, the complement: XDH is on the minus strand). VCF-style: chr2-31386501-A-T. GRCh37 (hg19) VCF-style: chr2-31609367-A-T.
Other names: short protein forms W236R.
Identifiers: ClinVar variation 1706358 (VCV001706358.2), dbSNP rs2465401886, ClinGen allele CA346496677.